The following is an entry in ClinVar:

ClinVar aggregate classification (germline): Uncertain significance (1 of 4 stars; one submission).

Allele frequency attached by ClinVar (database versions not stated): gnomAD exomes below 0.00001.
gnomAD v4.1: 2 of 1,613,690 alleles (0.00012%); highest among the groups gnomAD compares: Middle Eastern, 0.033%; no homozygotes.

Submission:

Labcorp Genetics (formerly Invitae), Labcorp
Classification: Uncertain significance. Last evaluated: 2022-06-22. Review status: criteria provided, single submitter. Criteria: Invitae Variant Classification Sherloc (09022015). Collection method: clinical testing. Allele origin: germline.
Comment: This variant has not been reported in the literature in individuals affected with PLVAP-related conditions. In summary, the available evidence is currently insufficient to determine the role of this variant in disease. Therefore, it has been classified as a Variant of Uncertain Significance. Algorithms developed to predict the effect of missense changes on protein structure and function (SIFT, PolyPhen-2, Align-GVGD) all suggest that this variant is likely to be tolerated. This sequence change replaces proline, which is neutral and non-polar, with serine, which is neutral and polar, at codon 412 of the PLVAP protein (p.Pro412Ser). This variant is not present in population databases (gnomAD no frequency).

NM_031310.3(PLVAP):c.1234C>T (p.Pro412Ser)

Gene: PLVAP (plasmalemma vesicle associated protein; minus strand). Cytogenetic location: 19p13.11.
Variant type: single nucleotide variant.
Coding change: c.1234C>T on transcript NM_031310.3 (MANE Select); coding-DNA position 1234, C replaced by T.
Protein change: p.Pro412Ser; replaces proline 412 with serine.
Molecular consequence: missense variant.
Genome position (GRCh38, 1-based): chr19:17,360,778, G>A on the plus strand (C>T on the coding strand, the complement: PLVAP is on the minus strand). VCF-style: chr19-17360778-G-A. GRCh37 (hg19) VCF-style: chr19-17471587-G-A.
Other names: short protein forms P412S.
Identifiers: ClinVar variation 2073943 (VCV002073943.4), dbSNP rs2074524871, ClinGen allele CA404669331.